The following is an entry in ClinVar:

ClinVar aggregate classification (germline): Uncertain significance. Review status: criteria provided, multiple submitters, no conflicts (2 of 4 stars). 2 submissions from 2 submitters: Uncertain significance (2). Last evaluated 2024-12-17.

Conditions:
Cardiovascular phenotype. Identifiers: MedGen CN230736.
Brugada syndrome. Also called: Sudden unexplained nocturnal death syndrome; Sudden Unexplained Death Syndrome; Sudden Unexplained Nocturnal Death Syndrome (SUNDS); Sudden unexpected nocturnal death syndrome. Identifiers: Orphanet 130, MedGen C1142166, MONDO:0015263.

Allele frequency attached by ClinVar (database versions not stated): ExAC 0.00002; gnomAD exomes 0.00001; gnomAD 0.00002; TOPMed 0.00002.
gnomAD v4.1: 12 of 1,606,342 alleles (0.00075%); highest among the groups gnomAD compares: East Asian, 0.0067%; no homozygotes.

Submissions (2):

Ambry Genetics
Classification: Uncertain significance for Cardiovascular phenotype. Last evaluated: 2024-12-17. Review status: criteria provided, single submitter. Criteria: Ambry Variant Classification Scheme 2023. Collection method: clinical testing. Allele origin: germline.

Labcorp Genetics (formerly Invitae), Labcorp
Classification: Uncertain significance for Brugada syndrome. Last evaluated: 2022-06-04. Review status: criteria provided, single submitter. Criteria: Invitae Variant Classification Sherloc (09022015). Collection method: clinical testing. Allele origin: germline.
Comment: This variant has not been reported in the literature in individuals affected with SCN10A-related conditions. In summary, the available evidence is currently insufficient to determine the role of this variant in disease. Therefore, it has been classified as a Variant of Uncertain Significance. Advanced modeling of protein sequence and biophysical properties (such as structural, functional, and spatial information, amino acid conservation, physicochemical variation, residue mobility, and thermodynamic stability) performed at Invitae indicates that this missense variant is not expected to disrupt SCN10A protein function. ClinVar contains an entry for this variant (Variation ID: 576536). This variant is present in population databases (rs774803610, gnomAD 0.005%). This sequence change replaces threonine, which is neutral and polar, with methionine, which is neutral and non-polar, at codon 1064 of the SCN10A protein (p.Thr1064Met).

NM_006514.4(SCN10A):c.3191C>T (p.Thr1064Met)

Genes: SCN10A (sodium voltage-gated channel alpha subunit 10; minus strand), LOC110121288 (VISTA enhancer hs2268; plus strand). Cytogenetic location: 3p22.2.
Variant type: single nucleotide variant.
Coding change: c.3191C>T on transcript NM_006514.4 (MANE Select); coding-DNA position 3191, C replaced by T.
Protein change: p.Thr1064Met; replaces threonine 1064 with methionine.
Molecular consequence: missense variant.
Genome position (GRCh38, 1-based): chr3:38,725,211, G>A on the plus strand (C>T on the coding strand, the complement: SCN10A is on the minus strand). VCF-style: chr3-38725211-G-A. GRCh37 (hg19) VCF-style: chr3-38766702-G-A.
Other names: c.3188C>T, p.Thr1063Met (NM_001293306.2); c.2897C>T, p.Thr966Met (NM_001293307.2); c.3191C>T (NM_006514.2); short protein forms T1064M, T966M, T1063M.
Identifiers: ClinVar variation 576536 (VCV000576536.8), dbSNP rs774803610, ClinGen allele CA2320325.
Genomic context (GRCh38, chr3:38,725,211, plus strand): 5'-CTCCAGGAAGCTGACATACCTACCTCAGCAGGGACCTGAGGAACAGACTCATCTTTCCAC[G>A]TCTCACCCAGGGATGGAGCCAGGTCCTCAGAAGATGTTCCAGTGCCTGGGCTCCTGGGTG-3'
Protein context (NP_006505.4, residues 1054-1074): SEDLAPSLGE[Thr1064Met]WKDESVPQVP